The following is an entry in ClinVar:

ClinVar aggregate classification (germline): Likely benign. Review status: criteria provided, multiple submitters, no conflicts (2 of 4 stars). 8 submissions from 8 submitters: Likely benign (8). Last evaluated 2025-12-05.

Conditions:
Inborn genetic diseases. Identifiers: MedGen C0950123, MeSH D030342.
Neuronal ceroid lipofuscinosis 1 (CLN1). Also called: PPT1-Related Neuronal Ceroid-Lipofuscinosis; CEROID LIPOFUSCINOSIS, NEURONAL, 1, VARIABLE AGE AT ONSET. Identifiers: Orphanet 228329, MedGen C1850451, MONDO:0009744, OMIM 256730.

Allele frequency attached by ClinVar (database versions not stated): TOPMed 0.00003; gnomAD 0.00004 and 0.00005; ExAC 0.00005; gnomAD exomes 0.00005 and 0.00008; ESP Exome Variant Server 0.00008.
gnomAD v4.1: 82 of 1,613,572 alleles (0.0051%); highest among the groups gnomAD compares: Middle Eastern, 0.12%; 1 homozygote.

Submissions (8):

Labcorp Genetics (formerly Invitae), Labcorp
Classification: Likely benign for Neuronal ceroid lipofuscinosis 1. Last evaluated: 2025-12-05. Review status: criteria provided, single submitter. Criteria: Invitae Variant Classification Sherloc (09022015). Collection method: clinical testing. Allele origin: germline.

Mayo Clinic Laboratories, Mayo Clinic
Classification: Likely benign. Last evaluated: 2025-09-03. Review status: criteria provided, single submitter. Criteria: ACMG Guidelines, 2015. Collection method: clinical testing. Allele origin: germline. Observed: 2 variant alleles.
Comment: BP4, BP7

Laboratory of Genetics, Children's Clinical University Hospital Latvia
Classification: Likely benign. Last evaluated: 2025-02-16. Review status: criteria provided, single submitter. Criteria: ACMG Guidelines, 2015. Collection method: clinical testing. Allele origin: germline. Affected: yes.

Blueprint Genetics
Classification: Likely benign. Last evaluated: 2024-08-01. Review status: criteria provided, single submitter. Criteria: ACMG Guidelines, 2015. Collection method: clinical testing. Allele origin: germline.

CeGaT Center for Human Genetics Tuebingen
Classification: Likely benign. Last evaluated: 2022-08-01. Review status: criteria provided, single submitter. Criteria: CeGaT Center For Human Genetics Tuebingen Variant Classification Criteria Version 2. Collection method: clinical testing. Allele origin: germline. Affected: yes. Observed: 1 variant allele.
Comment: PPT1: BP4, BP7

GeneDx
Classification: Likely benign. Last evaluated: 2019-02-20. Review status: criteria provided, single submitter. Criteria: GeneDx Variant Classification Process June 2021. Collection method: clinical testing. Allele origin: germline. Affected: yes.

Ambry Genetics
Classification: Likely benign for Inborn genetic diseases. Last evaluated: 2019-01-29. Review status: criteria provided, single submitter. Criteria: Ambry Variant Classification Scheme 2023. Collection method: clinical testing. Allele origin: germline.

Breakthrough Genomics
Classification: Likely benign. Review status: criteria provided, single submitter. Criteria: ACMG Guidelines, 2015. Collection method: not provided. Allele origin: germline. Inheritance: Autosomal recessive inheritance. Affected: yes.

NM_000310.4(PPT1):c.543G>A (p.Val181=)

Gene: PPT1 (palmitoyl-protein thioesterase 1; minus strand). Cytogenetic location: 1p34.2.
Variant type: single nucleotide variant.
Coding change: c.543G>A on transcript NM_000310.4 (MANE Select); coding-DNA position 543, G replaced by A.
Protein change: p.Val181=; no amino-acid change (valine 181 retained).
Molecular consequence: synonymous variant.
Genome position (GRCh38, 1-based): chr1:40,080,481, C>T on the plus strand (G>A on the coding strand, the complement: PPT1 is on the minus strand). VCF-style: chr1-40080481-C-T. GRCh37 (hg19) VCF-style: chr1-40546153-C-T.
Other names: p.Val181=; c.234G>A, p.Val78= (NM_001142604.2); c.543G>A, p.Val181= (NM_001363695.2).
Identifiers: ClinVar variation 516507 (VCV000516507.81), dbSNP rs374121503, ClinGen allele CA789648.